The following is an entry in ClinVar:

NM_001257291.2(SLC9A7):c.1911C>G (p.Thr637=)

Gene: SLC9A7 (solute carrier family 9 member A7; minus strand). Cytogenetic location: Xp11.3.
Variant type: single nucleotide variant.
Coding change: c.1911C>G on transcript NM_001257291.2 (MANE Select); coding-DNA position 1911, C replaced by G.
Protein change: p.Thr637=; no amino-acid change (threonine 637 retained).
Molecular consequence: synonymous variant.
Genome position (GRCh38, 1-based): chrX:46,613,307, G>C on the plus strand (C>G on the coding strand, the complement: SLC9A7 is on the minus strand). VCF-style: chrX-46613307-G-C. GRCh37 (hg19) VCF-style: chrX-46472742-G-C.
Other names: c.1908C>G, p.Thr636= (NM_032591.3).
Identifiers: ClinVar variation 2660387 (VCV002660387.25), dbSNP rs1942889294, ClinGen allele CA516235132.

ClinVar aggregate classification (germline): Likely benign. Review status: criteria provided, multiple submitters, no conflicts (2 of 4 stars). 2 submissions from 2 submitters: Likely benign (2). Last evaluated 2024-06-10.

Submissions (2):

Women's Health and Genetics/Laboratory Corporation of America, LabCorp
Classification: Likely benign. Last evaluated: 2024-06-10. Review status: criteria provided, single submitter. Criteria: LabCorp Variant Classification Summary - May 2015. Collection method: clinical testing. Allele origin: germline.

CeGaT Center for Human Genetics Tuebingen
Classification: Likely benign. Last evaluated: 2023-07-01. Review status: criteria provided, single submitter. Criteria: CeGaT Center For Human Genetics Tuebingen Variant Classification Criteria Version 2. Collection method: clinical testing. Allele origin: germline. Affected: yes. Observed: 1 variant allele.
Comment: SLC9A7: PM2:Supporting, BP4, BP7